The following is an entry in ClinVar:

ClinVar aggregate classification (germline): Likely pathogenic (1 of 4 stars; one submission).

Conditions:
Recessive dystrophic epidermolysis bullosa (RDEB). Also called: DYSTROPHIC EPIDERMOLYSIS BULLOSA, AUTOSOMAL RECESSIVE; EPIDERMOLYSIS BULLOSA DYSTROPHICA, HALLOPEAU-SIEMENS TYPE; EPIDERMOLYSIS BULLOSA DYSTROPHICA, GENERALIZED SEVERE, AUTOSOMAL RECESSIVE; Hallopeau-Siemens Disease; Epidermolysis Bullosa Distrophica Autosomal Recessive (RDEB); epidermolysis bullosa dystrophica, autosomal recessive. Identifiers: Orphanet 79408, Orphanet 79409, MedGen C0079474, MONDO:0009179, OMIM 226600.

Submission:

3billion
Classification: Likely pathogenic for Recessive dystrophic epidermolysis bullosa. Last evaluated: 2022-01-03. Review status: criteria provided, single submitter. Criteria: ACMG Guidelines, 2015. Collection method: clinical testing. Allele origin: germline. Affected: yes. Observed: 1 heterozygote.
Comment: Same nucleotide change resulting in same amino acid change has been previously reported to be associated with COL7A1 related disorder (PMID:16971478, PS1_P). A different missense change at the same codon has been reported to be associated with COL7A1 related disorder (PMID:27899325, PM5_P). In silico tool predictions suggest damaging effect of the variant on gene or gene product (REVEL: 0.982, 3CNET: 0.894, PP3_P). It is not observed in the gnomAD v2.1.1 dataset (PM2_M). Therefore, this variant is classified as likely pathogenic according to the recommendation of ACMG/AMP guideline.

Literature cited by the submitters: PubMed 27899325; PubMed 16971478.

NM_000094.4(COL7A1):c.5017G>A (p.Gly1673Arg)

Gene: COL7A1 (collagen type VII alpha 1 chain; minus strand). Cytogenetic location: 3p21.31.
Variant type: single nucleotide variant.
Coding change: c.5017G>A on transcript NM_000094.4 (MANE Select); coding-DNA position 5017, G replaced by A.
Protein change: p.Gly1673Arg; replaces glycine 1673 with arginine.
Molecular consequence: missense variant.
Genome position (GRCh38, 1-based): chr3:48,580,616, C>T on the plus strand (G>A on the coding strand, the complement: COL7A1 is on the minus strand). VCF-style: chr3-48580616-C-T. GRCh37 (hg19) VCF-style: chr3-48618049-C-T.
Other names: short protein forms G1673R.
Identifiers: ClinVar variation 1333712 (VCV001333712.1), dbSNP rs2107706875, ClinGen allele CA352679815.
Genomic context (GRCh38, chr3:48,580,616, plus strand): 5'-TGAGGAGTCATAGGCTGGGACTCACATTTCGTCCATCCTCTCCAGGATCTCCCTGGTCTC[C>T]CTTTTCACCCACAGGCCCCCGAACTCCAGGTGCCCCCTAAGAAGAGCAGCTGGCCTGAGA-3'
Protein context (NP_000085.1, residues 1663-1683): PGVRGPVGEK[Gly1673Arg]DQGDPGEDGR